The following is an entry in ClinVar:

NM_139276.3(STAT3):c.2309T>C (p.Met770Thr)

Gene: STAT3 (signal transducer and activator of transcription 3; minus strand). Cytogenetic location: 17q21.2.
Variant type: single nucleotide variant.
Coding change: c.2309T>C on transcript NM_139276.3 (MANE Select); coding-DNA position 2309, T replaced by C.
Protein change: p.Met770Thr; replaces methionine 770 with threonine.
Molecular consequence: missense variant. On other transcripts: 3 prime UTR variant (7).
Genome position (GRCh38, 1-based): chr17:42,315,749, A>G on the plus strand (T>C on the coding strand, the complement: STAT3 is on the minus strand). VCF-style: chr17-42315749-A-G. GRCh37 (hg19) VCF-style: chr17-40467767-A-G.
Other names: c.2309T>C, p.Met770Thr (NM_001369513.1, NM_001369512.1); c.2306T>C, p.Met769Thr (NM_001369514.1, NM_001369516.1, NM_003150.4); c.*90T>C (NM_001369517.1, NM_001369518.1, NM_001369519.1 and 4 more transcripts); c.2225T>C, p.Met742Thr (NM_001384984.1); c.2231T>C, p.Met744Thr (NM_001384985.1); c.2288T>C, p.Met763Thr (NM_001384987.1); c.2213T>C, p.Met738Thr (NM_001384988.1); c.2210T>C, p.Met737Thr (NM_001384989.1); and 4 more; short protein forms M737T, M769T, M770T, M742T, M766T, M744T, M761T, M738T.
Identifiers: ClinVar variation 1501107 (VCV001501107.9), dbSNP rs2144606051, ClinGen allele CA399578856.

ClinVar aggregate classification (germline): Uncertain significance. Review status: criteria provided, multiple submitters, no conflicts (2 of 4 stars). 2 submissions from 2 submitters: Uncertain significance (2). Last evaluated 2024-03-25.

Conditions:
STAT3 gain of function. Identifiers: MedGen C4288261.
Hyper-IgE recurrent infection syndrome 1, autosomal dominant. Also called: STAT3 Hyper IgE Syndrome; HYPER-IgE SYNDROME 1, AUTOSOMAL DOMINANT, WITH RECURRENT INFECTIONS; JOB SYNDROME; Job's Syndrome; Hyper-IgE recurrent infection syndrome 1. Identifiers: Orphanet 2314, MedGen C2936739, MONDO:0007818, OMIM 147060.

Allele frequency attached by ClinVar (database versions not stated): gnomAD exomes below 0.00001.
gnomAD v4.1: 1 of 1,613,962 alleles (0.000062%); highest among the groups gnomAD compares: Non-Finnish European, 0.000085%; no homozygotes.

Submissions (2):

GeneDx
Classification: Uncertain significance. Last evaluated: 2024-03-25. Review status: criteria provided, single submitter. Criteria: GeneDx Variant Classification Process June 2021. Collection method: clinical testing. Allele origin: germline. Affected: yes.
Comment: Not observed at significant frequency in large population cohorts (gnomAD); In silico analysis supports that this missense variant does not alter protein structure/function; Has not been previously published as pathogenic or benign to our knowledge

Labcorp Genetics (formerly Invitae), Labcorp
Classification: Uncertain significance for STAT3 gain of function; Hyper-IgE recurrent infection syndrome 1, autosomal dominant. Last evaluated: 2022-02-20. Review status: criteria provided, single submitter. Criteria: Invitae Variant Classification Sherloc (09022015). Collection method: clinical testing. Allele origin: germline.
Comment: This sequence change replaces methionine, which is neutral and non-polar, with threonine, which is neutral and polar, at codon 770 of the STAT3 protein (p.Met770Thr). This variant is not present in population databases (gnomAD no frequency). In summary, the available evidence is currently insufficient to determine the role of this variant in disease. Therefore, it has been classified as a Variant of Uncertain Significance. Advanced modeling of protein sequence and biophysical properties (such as structural, functional, and spatial information, amino acid conservation, physicochemical variation, residue mobility, and thermodynamic stability) performed at Invitae indicates that this missense variant is not expected to disrupt STAT3 protein function. This variant has not been reported in the literature in individuals affected with STAT3-related conditions.